The following is an entry in ClinVar:

NM_152383.5(DIS3L2):c.1792C>T (p.His598Tyr)

Gene: DIS3L2 (DIS3 like 3'-5' exoribonuclease 2; plus strand). Cytogenetic location: 2q37.1.
Variant type: single nucleotide variant.
Coding change: c.1792C>T on transcript NM_152383.5 (MANE Select); coding-DNA position 1792, C replaced by T.
Protein change: p.His598Tyr; replaces histidine 598 with tyrosine.
Molecular consequence: missense variant. On other transcripts: intron variant (1).
Genome position (GRCh38, 1-based): chr2:232,329,865, C>T. VCF-style: chr2-232329865-C-T. GRCh37 (hg19) VCF-style: chr2-233194575-C-T.
Other names: c.1582-13480C>T (NM_001257281.2); short protein forms H598Y.
Identifiers: ClinVar variation 946414 (VCV000946414.7), dbSNP rs1575023287, ClinGen allele CA350976030.

ClinVar aggregate classification (germline): Uncertain significance (1 of 4 stars; one submission).

Conditions:
Perlman syndrome (PRLMNS). Identifiers: Orphanet 2849, MedGen C0796113, MONDO:0009965, OMIM 267000.

Submission:

Labcorp Genetics (formerly Invitae), Labcorp
Classification: Uncertain significance for Perlman syndrome. Last evaluated: 2024-04-22. Review status: criteria provided, single submitter. Criteria: Invitae Variant Classification Sherloc (09022015). Collection method: clinical testing. Allele origin: germline.
Comment: This sequence change replaces histidine, which is basic and polar, with tyrosine, which is neutral and polar, at codon 598 of the DIS3L2 protein (p.His598Tyr). This variant is not present in population databases (gnomAD no frequency). This variant has not been reported in the literature in individuals affected with DIS3L2-related conditions. ClinVar contains an entry for this variant (Variation ID: 946414). Advanced modeling of protein sequence and biophysical properties (such as structural, functional, and spatial information, amino acid conservation, physicochemical variation, residue mobility, and thermodynamic stability) performed at Invitae indicates that this missense variant is not expected to disrupt DIS3L2 protein function with a negative predictive value of 80%. In summary, the available evidence is currently insufficient to determine the role of this variant in disease. Therefore, it has been classified as a Variant of Uncertain Significance.